The following is an entry in ClinVar:

NM_012193.4(FZD4):c.496G>A (p.Glu166Lys)

Genes: FZD4 (frizzled class receptor 4; minus strand), PRSS23 (serine protease 23; plus strand). Cytogenetic location: 11q14.2.
Variant type: single nucleotide variant.
Coding change: c.496G>A on transcript NM_012193.4 (MANE Select); coding-DNA position 496, G replaced by A.
Protein change: p.Glu166Lys; replaces glutamic acid 166 with lysine.
Molecular consequence: missense variant. On other transcripts: non-coding transcript variant (2).
Genome position (GRCh38, 1-based): chr11:86,952,260, C>T on the plus strand (G>A on the coding strand, the complement: FZD4 is on the minus strand). VCF-style: chr11-86952260-C-T. GRCh37 (hg19) VCF-style: chr11-86663302-C-T.
Other names: short protein forms E166K.
Identifiers: ClinVar variation 1444497 (VCV001444497.8), dbSNP rs2135041698, ClinGen allele CA382015954.

ClinVar aggregate classification (germline): Uncertain significance (1 of 4 stars; one submission).

Allele frequency attached by ClinVar (database versions not stated): gnomAD exomes below 0.00001.
gnomAD v4.1: 1 of 1,614,222 alleles (0.000062%); highest among the groups gnomAD compares: South Asian, 0.0011%; no homozygotes.

Submission:

Labcorp Genetics (formerly Invitae), Labcorp
Classification: Uncertain significance. Last evaluated: 2022-12-02. Review status: criteria provided, single submitter. Criteria: Invitae Variant Classification Sherloc (09022015). Collection method: clinical testing. Allele origin: germline.
Comment: Advanced modeling of protein sequence and biophysical properties (such as structural, functional, and spatial information, amino acid conservation, physicochemical variation, residue mobility, and thermodynamic stability) performed at Invitae indicates that this missense variant is not expected to disrupt FZD4 protein function. In summary, the available evidence is currently insufficient to determine the role of this variant in disease. Therefore, it has been classified as a Variant of Uncertain Significance. ClinVar contains an entry for this variant (Variation ID: 1444497). This variant has not been reported in the literature in individuals affected with FZD4-related conditions. This variant is not present in population databases (gnomAD no frequency). This sequence change replaces glutamic acid, which is acidic and polar, with lysine, which is basic and polar, at codon 166 of the FZD4 protein (p.Glu166Lys).